The following is an entry in ClinVar:

ClinVar aggregate classification (germline): Uncertain significance (1 of 4 stars; one submission).

Submission:

Labcorp Genetics (formerly Invitae), Labcorp
Classification: Uncertain significance. Last evaluated: 2022-01-14. Review status: criteria provided, single submitter. Criteria: Invitae Variant Classification Sherloc (09022015). Collection method: clinical testing. Allele origin: germline.
Comment: In summary, the available evidence is currently insufficient to determine the role of this variant in disease. Therefore, it has been classified as a Variant of Uncertain Significance. Algorithms developed to predict the effect of missense changes on protein structure and function (SIFT, PolyPhen-2, Align-GVGD) all suggest that this variant is likely to be tolerated. This variant has not been reported in the literature in individuals affected with IFT81-related conditions. This variant is not present in population databases (gnomAD no frequency). This sequence change replaces alanine, which is neutral and non-polar, with glutamic acid, which is acidic and polar, at codon 537 of the IFT81 protein (p.Ala537Glu).

NM_014055.4(IFT81):c.1610C>A (p.Ala537Glu)

Gene: IFT81 (intraflagellar transport 81; plus strand). Cytogenetic location: 12q24.11.
Variant type: single nucleotide variant.
Coding change: c.1610C>A on transcript NM_014055.4 (MANE Select); coding-DNA position 1610, C replaced by A.
Protein change: p.Ala537Glu; replaces alanine 537 with glutamic acid.
Molecular consequence: missense variant. On other transcripts: non-coding transcript variant (4).
Genome position (GRCh38, 1-based): chr12:110,203,916, C>A. VCF-style: chr12-110203916-C-A. GRCh37 (hg19) VCF-style: chr12-110641721-C-A.
Other names: c.1610C>A, p.Ala537Glu (NM_001143779.2); c.680C>A, p.Ala227Glu (NM_001347947.2, NM_001347948.2); short protein forms A227E, A537E.
Identifiers: ClinVar variation 1511068 (VCV001511068.8), dbSNP rs2137583962, ClinGen allele CA386908848.